The following is an entry in ClinVar:

NM_003742.4(ABCB11):c.2344-157T>G

Gene: ABCB11 (ATP binding cassette subfamily B member 11; minus strand). Cytogenetic location: 2q31.1.
Variant type: single nucleotide variant.
Coding change: c.2344-157T>G on transcript NM_003742.4 (MANE Select); 157 bases into the intron before coding-DNA position 2344, T replaced by G.
Molecular consequence: intron variant.
Genome position (GRCh38, 1-based): chr2:168,945,118, A>C on the plus strand (T>G on the coding strand, the complement: ABCB11 is on the minus strand). VCF-style: chr2-168945118-A-C. GRCh37 (hg19) VCF-style: chr2-169801628-A-C.
Identifiers: ClinVar variation 1184646 (VCV001184646.5), dbSNP rs860510, ClinGen allele CA11215477.

ClinVar aggregate classification (germline): Benign. Review status: criteria provided, multiple submitters, no conflicts (2 of 4 stars). 4 submissions from 3 submitters: Benign (4). Last evaluated 2026-04-14.

Conditions:
Benign recurrent intrahepatic cholestasis type 2 (BRIC2). Also called: Recurrent familial intrahepatic cholestasis 2. Identifiers: Orphanet 65682, Orphanet 99961, MedGen C2608083, MONDO:0011559, OMIM 605479.
Familial intrahepatic cholestasis. Identifiers: Orphanet 284385, MedGen CN296401, MONDO:0017290.
Progressive familial intrahepatic cholestasis type 2. Identifiers: Orphanet 79304, MedGen C3489789, MONDO:0011156, OMIM 601847.

Allele frequency attached by ClinVar (database versions not stated): TOPMed 0.46894; gnomAD 0.47138 and 0.47955; 1000 Genomes Project 30x 0.49500; 1000 Genomes Project 0.50559.
gnomAD v4.1: 73,038 of 151,652 alleles (48%); highest among the groups gnomAD compares: South Asian, 66%; 19,163 homozygotes.

Submissions (4):

Genomenon, Inc
Classification: Benign for Familial intrahepatic cholestasis. Last evaluated: 2026-04-14. Review status: criteria provided, single submitter. Criteria: Genomenon Sequence Variant Interpretation Standards - Updated. Collection method: curation. Allele origin: germline. Affected: no.
Comment: ABCB11 c.2344-157T>G is a deep intronic variant located in intron 19. This variant is present at high allele frequency in population databases. In conclusion, we classify ABCB11 c.2344-157T>G as a benign variant.

Genome-Nilou Lab
Classification: Benign for Benign recurrent intrahepatic cholestasis type 2. Last evaluated: 2021-07-10. Review status: criteria provided, single submitter. Criteria: ACMG Guidelines, 2015. Collection method: clinical testing. Allele origin: germline. Affected: no.

Genome-Nilou Lab
Classification: Benign for Progressive familial intrahepatic cholestasis type 2. Last evaluated: 2021-07-10. Review status: criteria provided, single submitter. Criteria: ACMG Guidelines, 2015. Collection method: clinical testing. Allele origin: germline. Affected: no.

GeneDx
Classification: Benign. Last evaluated: 2018-11-10. Review status: criteria provided, single submitter. Criteria: GeneDx Variant Classification Process June 2021. Collection method: clinical testing. Allele origin: germline. Affected: yes.